The following is an entry in ClinVar:

NM_000478.6(ALPL):c.515C>T (p.Ala172Val)

Gene: ALPL (alkaline phosphatase, biomineralization associated; plus strand). Cytogenetic location: 1p36.12.
Variant type: single nucleotide variant.
Coding change: c.515C>T on transcript NM_000478.6 (MANE Select); coding-DNA position 515, C replaced by T.
Protein change: p.Ala172Val; replaces alanine 172 with valine.
Molecular consequence: missense variant.
Genome position (GRCh38, 1-based): chr1:21,564,083, C>T. VCF-style: chr1-21564083-C-T. GRCh37 (hg19) VCF-style: chr1-21890576-C-T.
Other names: c.350C>T, p.Ala117Val (NM_001127501.4); c.284C>T, p.Ala95Val (NM_001177520.3); c.515C>T, p.Ala172Val (NM_001369803.2, NM_001369804.2, NM_001369805.2); short protein forms A117V, A172V, A95V.
Identifiers: ClinVar variation 1314086 (VCV001314086.2), dbSNP rs1570276506, ClinGen allele CA338877836.
Genomic context (GRCh38, chr1:21,564,083, plus strand): 5'-GCCCCTCCTGCACCCCAGGGAAATCTGTGGGCATTGTGACCACCACGAGAGTGAACCATG[C>T]CACCCCCAGCGCCGCCTACGCCCACTCGGCTGACCGGGACTGGTACTCAGACAACGAGAT-3'
Protein context (NP_000469.3, residues 162-182): GIVTTTRVNH[Ala172Val]TPSAAYAHSA

ClinVar aggregate classification (germline): Uncertain significance (1 of 4 stars; one submission).

Submission:

GeneDx
Classification: Uncertain significance. Last evaluated: 2021-01-25. Review status: criteria provided, single submitter. Criteria: GeneDx Variant Classification Process June 2021. Collection method: clinical testing. Allele origin: germline. Affected: yes.
Comment: Not observed in large population cohorts (Lek et al., 2016); In silico analysis supports that this missense variant has a deleterious effect on protein structure/function; Has not been previously published as pathogenic or benign to our knowledge